The following is an entry in ClinVar:

ClinVar aggregate classification (germline): Uncertain significance (1 of 4 stars; one submission).

Conditions:
Developmental and epileptic encephalopathy, 12 (DEE12). Identifiers: MedGen C3150988, MONDO:0013389, OMIM 613722.

Allele frequency attached by ClinVar (database versions not stated): gnomAD 0.00001.
gnomAD v4.1: 2 of 1,614,032 alleles (0.00012%); highest among the groups gnomAD compares: Admixed American, 0.0017%; no homozygotes.

Submission:

Labcorp Genetics (formerly Invitae), Labcorp
Classification: Uncertain significance for Developmental and epileptic encephalopathy, 12. Last evaluated: 2022-07-01. Review status: criteria provided, single submitter. Criteria: Invitae Variant Classification Sherloc (09022015). Collection method: clinical testing. Allele origin: germline.
Comment: This sequence change replaces leucine, which is neutral and non-polar, with glutamine, which is neutral and polar, at codon 499 of the PNKP protein (p.Leu499Gln). This variant is not present in population databases (gnomAD no frequency). This variant has not been reported in the literature in individuals affected with PNKP-related conditions. ClinVar contains an entry for this variant (Variation ID: 409613). Algorithms developed to predict the effect of missense changes on protein structure and function are either unavailable or do not agree on the potential impact of this missense change (SIFT: "Tolerated"; PolyPhen-2: "Probably Damaging"; Align-GVGD: "Class C0"). Algorithms developed to predict the effect of sequence changes on RNA splicing suggest that this variant may create or strengthen a splice site. In summary, the available evidence is currently insufficient to determine the role of this variant in disease. Therefore, it has been classified as a Variant of Uncertain Significance.

NM_007254.4(PNKP):c.1496T>A (p.Leu499Gln)

Gene: PNKP (polynucleotide kinase 3'-phosphatase; minus strand). Cytogenetic location: 19q13.33.
Variant type: single nucleotide variant.
Coding change: c.1496T>A on transcript NM_007254.4 (MANE Select); coding-DNA position 1496, T replaced by A.
Protein change: p.Leu499Gln; replaces leucine 499 with glutamine.
Molecular consequence: missense variant.
Genome position (GRCh38, 1-based): chr19:49,861,318, A>T on the plus strand (T>A on the coding strand, the complement: PNKP is on the minus strand). VCF-style: chr19-49861318-A-T. GRCh37 (hg19) VCF-style: chr19-50364575-A-T.
Other names: short protein forms L499Q.
Identifiers: ClinVar variation 409613 (VCV000409613.9), dbSNP rs774739756, ClinGen allele CA16616089.